The following is an entry in ClinVar:

NM_000256.3(MYBPC3):c.2279del (p.Asp760fs)

Gene: MYBPC3 (myosin binding protein C3; minus strand). Cytogenetic location: 11p11.2.
Variant type: Deletion.
Coding change: c.2279del on transcript NM_000256.3 (MANE Select); coding-DNA position 2279, one base deleted (A; older notation c.2279delA).
Protein change: p.Asp760fs; shifts the reading frame from aspartic acid 760.
Molecular consequence: frameshift variant.
Genome position (GRCh38, 1-based): chr11:47,338,549, T deleted on the plus strand (A on the coding strand, the reverse complement: MYBPC3 is on the minus strand). VCF-style (leftmost placement, unchanged base first): chr11-47338548-GT-G. GRCh37 (hg19) VCF-style: chr11-47360099-GT-G.
Other names: c.2279del, p.Asp760fs (LRG_386t1); c.2279delA (NM_000256.3); short protein forms D760fs.
Identifiers: ClinVar variation 407313 (VCV000407313.6), dbSNP rs1060501478, ClinGen allele CA16613383.
Genomic context (GRCh38, chr11:47,338,548, plus strand): 5'-TGTTCTCCAGCTTGGACCCCGGCCGGCCTCACCGATGACCTTGACTGTGAGGTTGACCTG[GT>G]CCTCGCCCACAGGGTTCTTCACTGTGACCGTGTAGACGCCCTCATCTTCCTTCTCTGCCC-3'

ClinVar aggregate classification (germline): Pathogenic (1 of 4 stars; one submission).

Conditions:
Hypertrophic cardiomyopathy. Also called: HYPERTROPHIC MYOCARDIOPATHY. Identifiers: Orphanet 217569, MedGen C0007194, MeSH D002312, MONDO:0005045, HP:0001639.

Submission:

Labcorp Genetics (formerly Invitae), Labcorp
Classification: Pathogenic for Hypertrophic cardiomyopathy. Last evaluated: 2023-08-20. Review status: criteria provided, single submitter. Criteria: Invitae Variant Classification Sherloc (09022015). Collection method: clinical testing. Allele origin: germline.
Comment: For these reasons, this variant has been classified as Pathogenic. ClinVar contains an entry for this variant (Variation ID: 407313). This variant has not been reported in the literature in individuals affected with MYBPC3-related conditions. This variant is not present in population databases (gnomAD no frequency). This sequence change creates a premature translational stop signal (p.Asp760Alafs*62) in the MYBPC3 gene. It is expected to result in an absent or disrupted protein product. Loss-of-function variants in MYBPC3 are known to be pathogenic (PMID: 19574547).

Literature cited by the submitters: PubMed 19574547.